The following is an entry in ClinVar:

NM_015512.5(DNAH1):c.11647G>A (p.Gly3883Ser)

Gene: DNAH1 (dynein axonemal heavy chain 1; plus strand). Cytogenetic location: 3p21.1.
Variant type: single nucleotide variant.
Coding change: c.11647G>A on transcript NM_015512.5 (MANE Select); coding-DNA position 11647, G replaced by A.
Protein change: p.Gly3883Ser; replaces glycine 3883 with serine.
Molecular consequence: missense variant.
Genome position (GRCh38, 1-based): chr3:52,396,904, G>A. VCF-style: chr3-52396904-G-A. GRCh37 (hg19) VCF-style: chr3-52430920-G-A.
Other names: short protein forms G3883S.
Identifiers: ClinVar variation 478402 (VCV000478402.2), dbSNP rs375133650, ClinGen allele CA353080272.

ClinVar aggregate classification (germline): Uncertain significance (1 of 4 stars; one submission).

Conditions:
Spermatogenic failure 18. Identifiers: MedGen C4539783, MONDO:0054615, OMIM 617576.
Ciliary dyskinesia, primary, 37 (CILD37). Also called: CILIARY DYSKINESIA, PRIMARY, 37, WITH OR WITHOUT SITUS INVERSUS. Identifiers: MedGen C4539798, MONDO:0033204, OMIM 617577.

Allele frequency attached by ClinVar (database versions not stated): gnomAD exomes below 0.00001; TOPMed below 0.00001; gnomAD 0.00001.
gnomAD v4.1: 3 of 1,613,324 alleles (0.00019%); highest among the groups gnomAD compares: Non-Finnish European, 0.00025%; no homozygotes.

Submission:

Labcorp Genetics (formerly Invitae), Labcorp
Classification: Uncertain significance for Ciliary dyskinesia, primary, 37; Spermatogenic failure 18. Last evaluated: 2021-09-02. Review status: criteria provided, single submitter. Criteria: Invitae Variant Classification Sherloc (09022015). Collection method: clinical testing. Allele origin: germline.
Comment: This sequence change replaces glycine with serine at codon 3883 of the DNAH1 protein (p.Gly3883Ser). The glycine residue is highly conserved and there is a small physicochemical difference between glycine and serine. This variant is not present in population databases (ExAC no frequency). This variant has not been reported in the literature in individuals affected with DNAH1-related conditions. Algorithms developed to predict the effect of missense changes on protein structure and function are either unavailable or do not agree on the potential impact of this missense change (SIFT: "Deleterious"; PolyPhen-2: "Probably Damaging"; Align-GVGD: "Class C0"). In summary, the available evidence is currently insufficient to determine the role of this variant in disease. Therefore, it has been classified as a Variant of Uncertain Significance.